The following is an entry in ClinVar:

ClinVar aggregate classification (germline): Uncertain significance (1 of 4 stars; one submission).

Submission:

Women's Health and Genetics/Laboratory Corporation of America, LabCorp
Classification: Uncertain significance. Last evaluated: 2024-08-13. Review status: criteria provided, single submitter. Criteria: LabCorp Variant Classification Summary - May 2015. Collection method: clinical testing. Allele origin: germline.
Comment: Variant summary: ABCB11 c.1069G>A (p.Gly357Arg) results in a non-conservative amino acid change located in the ABC transporter type 1, transmembrane domain (IPR011527) of the encoded protein sequence. Five of five in-silico tools predict a damaging effect of the variant on protein function. The variant was absent in 245092 control chromosomes. The available data on variant occurrences in the general population are insufficient to allow any conclusion about variant significance. To our knowledge, no occurrence of c.1069G>A in individuals affected with Familial Intrahepatic Cholestasis and no experimental evidence demonstrating its impact on protein function have been reported. No submitters have cited clinical-significance assessments for this variant to ClinVar. Based on the evidence outlined above, the variant was classified as uncertain significance.

NM_003742.4(ABCB11):c.1069G>A (p.Gly357Arg)

Gene: ABCB11 (ATP binding cassette subfamily B member 11; minus strand). Cytogenetic location: 2q31.1.
Variant type: single nucleotide variant.
Coding change: c.1069G>A on transcript NM_003742.4 (MANE Select); coding-DNA position 1069, G replaced by A.
Protein change: p.Gly357Arg; replaces glycine 357 with arginine.
Molecular consequence: missense variant.
Genome position (GRCh38, 1-based): chr2:168,986,124, C>T on the plus strand (G>A on the coding strand, the complement: ABCB11 is on the minus strand). VCF-style: chr2-168986124-C-T. GRCh37 (hg19) VCF-style: chr2-169842634-C-T.
Other names: short protein forms G357R.
Identifiers: ClinVar variation 3366823 (VCV003366823.1).